The following is an entry in ClinVar:

NC_000005.9:g.(?_95998127)_(96107383_?)del

Genes: CAST (calpastatin; plus strand), ERAP1 (endoplasmic reticulum aminopeptidase 1; minus strand). Cytogenetic location: 5q15.
Variant type: Deletion.
Identifiers: ClinVar variation 2423573 (VCV002423573.5).

ClinVar aggregate classification (germline): Pathogenic (1 of 4 stars; one submission).

Submission:

Labcorp Genetics (formerly Invitae), Labcorp
Classification: Pathogenic. Last evaluated: 2022-03-14. Review status: criteria provided, single submitter. Criteria: Invitae Variant Classification Sherloc (09022015). Collection method: clinical testing. Allele origin: germline.
Comment: For these reasons, this variant has been classified as Pathogenic. This variant has not been reported in the literature in individuals affected with CAST-related conditions. A gross deletion of the genomic region encompassing the full coding sequence of the CAST gene has been identified. Loss-of-function variants in CAST are known to be pathogenic (PMID: 25683118, 28851602). The boundaries of this event are unknown as they extend beyond the assayed region for this gene and therefore may encompass additional genes.

Literature cited by the submitters: PubMed 25683118; PubMed 28851602.